The following is an entry in ClinVar:

ClinVar aggregate classification (germline): Likely pathogenic (1 of 4 stars; one submission).

Allele frequency attached by ClinVar (database versions not stated): gnomAD exomes below 0.00001.
gnomAD v4.1: 5 of 1,614,200 alleles (0.00031%); highest among the groups gnomAD compares: Non-Finnish European, 0.00042%; no homozygotes.

Submission:

Labcorp Genetics (formerly Invitae), Labcorp
Classification: Likely pathogenic. Last evaluated: 2023-05-11. Review status: criteria provided, single submitter. Criteria: Invitae Variant Classification Sherloc (09022015). Collection method: clinical testing. Allele origin: germline.
Comment: This variant is present in population databases (no rsID available, gnomAD 0.0009%). This sequence change affects an acceptor splice site in intron 4 of the TPO gene. It is expected to disrupt RNA splicing. Variants that disrupt the donor or acceptor splice site typically lead to a loss of protein function (PMID: 16199547), and loss-of-function variants in TPO are known to be pathogenic (PMID: 11061528, 23236987, 25564141). This variant has not been reported in the literature in individuals affected with TPO-related conditions. In summary, the currently available evidence indicates that the variant is pathogenic, but additional data are needed to prove that conclusively. Therefore, this variant has been classified as Likely Pathogenic. Algorithms developed to predict the effect of sequence changes on RNA splicing suggest that this variant may disrupt the consensus splice site.

Literature cited by the submitters: PubMed 16199547; PubMed 11061528; PubMed 23236987; PubMed 25564141.

NM_001206744.2(TPO):c.350-2A>C

Gene: TPO (thyroid peroxidase; plus strand). Cytogenetic location: 2p25.3.
Variant type: single nucleotide variant.
Coding change: c.350-2A>C on transcript NM_001206744.2 (MANE Select); the canonical splice acceptor site of the intron before coding-DNA position 350, A replaced by C.
Molecular consequence: splice acceptor variant.
Genome position (GRCh38, 1-based): chr2:1,436,250, A>C. VCF-style: chr2-1436250-A-C. GRCh37 (hg19) VCF-style: chr2-1440022-A-C.
Other names: c.350-2A>C (NM_000547.6, NM_175719.4, NM_001206745.2 and 2 more transcripts).
Identifiers: ClinVar variation 2963454 (VCV002963454.3), dbSNP rs1322189326, ClinGen allele CA345690400.